The following is an entry in ClinVar:

NM_015557.3(CHD5):c.5254G>T (p.Gly1752Cys)

Gene: CHD5 (chromodomain helicase DNA binding protein 5; minus strand). Cytogenetic location: 1p36.31.
Variant type: single nucleotide variant.
Coding change: c.5254G>T on transcript NM_015557.3 (MANE Select); coding-DNA position 5254, G replaced by T.
Protein change: p.Gly1752Cys; replaces glycine 1752 with cysteine.
Molecular consequence: missense variant.
Genome position (GRCh38, 1-based): chr1:6,110,522, C>A on the plus strand (G>T on the coding strand, the complement: CHD5 is on the minus strand). VCF-style: chr1-6110522-C-A. GRCh37 (hg19) VCF-style: chr1-6170582-C-A.
Other names: short protein forms G1752C.
Identifiers: ClinVar variation 3253071 (VCV003253071.1), dbSNP rs2525329299.

ClinVar aggregate classification (germline): Uncertain significance (1 of 4 stars; one submission).

Submission:

GeneDx
Classification: Uncertain significance. Last evaluated: 2023-10-05. Review status: criteria provided, single submitter. Criteria: GeneDx Variant Classification Process June 2021. Collection method: clinical testing. Allele origin: germline. Affected: yes.
Comment: Not observed at significant frequency in large population cohorts (gnomAD); In silico analysis supports that this missense variant has a deleterious effect on protein structure/function; Has not been previously published as pathogenic or benign to our knowledge